The following is an entry in ClinVar:

NM_198537.4(YJEFN3):c.647C>G (p.Thr216Arg)

Gene: YJEFN3 (YjeF N-terminal domain containing 3; plus strand). Cytogenetic location: 19p13.11.
Variant type: single nucleotide variant.
Coding change: c.647C>G on transcript NM_198537.4 (MANE Select); coding-DNA position 647, C replaced by G.
Protein change: p.Thr216Arg; replaces threonine 216 with arginine.
Molecular consequence: missense variant.
Genome position (GRCh38, 1-based): chr19:19,535,632, C>G. VCF-style: chr19-19535632-C-G. GRCh37 (hg19) VCF-style: chr19-19646441-C-G.
Other names: c.497C>G, p.Thr166Arg (NM_001190328.2); short protein forms T166R, T216R.
Identifiers: ClinVar variation 2649610 (VCV002649610.24), dbSNP rs146733860, ClinGen allele CA9328149.
Genomic context (GRCh38, chr19:19,535,632, plus strand): 5'-TACTGGGCCCCGGCGTGGAGCCGGGCGAGGTCGGGGGCCCCTGCACCCGCGCGCTGGCCA[C>G]GCTCAAGCTGCTGTCCATCCCCCTCGTGAGCCTGGACATCCCCTCAGGCATGCCAGGCAG-3'
Protein context (NP_940939.2, residues 206-226): VGGPCTRALA[Thr216Arg]LKLLSIPLVS

ClinVar aggregate classification (germline): Likely benign (1 of 4 stars; one submission).

Allele frequency attached by ClinVar (database versions not stated): 1000 Genomes Project 0.00240; 1000 Genomes Project 30x 0.00250; ESP Exome Variant Server 0.00515.
gnomAD v4.1: 13,215 of 1,586,332 alleles (0.83%); highest among the groups gnomAD compares: Non-Finnish European, 1%; 85 homozygotes.

Submission:

CeGaT Center for Human Genetics Tuebingen
Classification: Likely benign. Last evaluated: 2023-03-01. Review status: criteria provided, single submitter. Criteria: CeGaT Center For Human Genetics Tuebingen Variant Classification Criteria Version 2. Collection method: clinical testing. Allele origin: germline. Affected: yes. Observed: 2 variant alleles.
Comment: YJEFN3: BS2